The following is an entry in ClinVar:

ClinVar aggregate classification (germline): Uncertain significance (1 of 4 stars; one submission).

Allele frequency attached by ClinVar (database versions not stated): gnomAD exomes below 0.00001; ExAC 0.00001.
gnomAD v4.1: 1 of 1,614,142 alleles (0.000062%); highest among the groups gnomAD compares: South Asian, 0.0011%; no homozygotes.

Submission:

Labcorp Genetics (formerly Invitae), Labcorp
Classification: Uncertain significance. Last evaluated: 2022-07-21. Review status: criteria provided, single submitter. Criteria: Invitae Variant Classification Sherloc (09022015). Collection method: clinical testing. Allele origin: germline.
Comment: This sequence change replaces proline, which is neutral and non-polar, with alanine, which is neutral and non-polar, at codon 1059 of the HPS5 protein (p.Pro1059Ala). This variant is present in population databases (rs773654334, gnomAD 0.006%). This variant has not been reported in the literature in individuals affected with HPS5-related conditions. ClinVar contains an entry for this variant (Variation ID: 1446382). Algorithms developed to predict the effect of missense changes on protein structure and function (SIFT, PolyPhen-2, Align-GVGD) all suggest that this variant is likely to be tolerated. In summary, the available evidence is currently insufficient to determine the role of this variant in disease. Therefore, it has been classified as a Variant of Uncertain Significance.

NM_181507.2(HPS5):c.3175C>G (p.Pro1059Ala)

Gene: HPS5 (HPS5 biogenesis of lysosomal organelles complex 2 subunit 2; minus strand). Cytogenetic location: 11p15.1.
Variant type: single nucleotide variant.
Coding change: c.3175C>G on transcript NM_181507.2 (MANE Select); coding-DNA position 3175, C replaced by G.
Protein change: p.Pro1059Ala; replaces proline 1059 with alanine.
Molecular consequence: missense variant.
Genome position (GRCh38, 1-based): chr11:18,282,104, G>C on the plus strand (C>G on the coding strand, the complement: HPS5 is on the minus strand). VCF-style: chr11-18282104-G-C. GRCh37 (hg19) VCF-style: chr11-18303651-G-C.
Other names: c.2833C>G, p.Pro945Ala (NM_007216.4, NM_181508.2); short protein forms P1059A, P945A.
Identifiers: ClinVar variation 1446382 (VCV001446382.5), dbSNP rs773654334, ClinGen allele CA5909629.